The following is an entry in ClinVar:

ClinVar aggregate classification (germline): Uncertain significance. Review status: criteria provided, multiple submitters, no conflicts (2 of 4 stars). 3 submissions from 3 submitters: Uncertain significance (3). Last evaluated 2025-01-21.

Conditions:
Pheochromocytoma/paraganglioma syndrome 5. Also called: Paragangliomas 5; SDHA-Related Hereditary Paraganglioma-Pheochromocytoma Syndrome. Identifiers: Orphanet 29072, MedGen C3279992, MONDO:0013602, OMIM 614165.
Mitochondrial complex II deficiency, nuclear type 1. Also called: SUCCINATE CoQ REDUCTASE DEFICIENCY. Identifiers: Orphanet 3208, MedGen C5700310, MONDO:0100294, OMIM 252011.
Hereditary cancer-predisposing syndrome. Also called: Tumor predisposition; Hereditary neoplastic syndrome; Neoplastic Syndromes, Hereditary; Hereditary Cancer Syndrome. Identifiers: Orphanet 140162, MedGen C0027672, MeSH D009386, MONDO:0015356.
Neurodegeneration with ataxia and late-onset optic atrophy. Identifiers: MedGen C5543254, MONDO:0031006, OMIM 619259.

Allele frequency attached by ClinVar (database versions not stated): gnomAD exomes below 0.00001; TOPMed below 0.00001.
gnomAD v4.1: 4 of 1,613,862 alleles (0.00025%); highest among the groups gnomAD compares: Middle Eastern, 0.017%; no homozygotes.

Submissions (3):

Labcorp Genetics (formerly Invitae), Labcorp
Classification: Uncertain significance for Pheochromocytoma/paraganglioma syndrome 5; Mitochondrial complex II deficiency, nuclear type 1. Last evaluated: 2025-01-21. Review status: criteria provided, single submitter. Criteria: Invitae Variant Classification Sherloc (09022015). Collection method: clinical testing. Allele origin: germline.
Comment: This sequence change replaces arginine, which is basic and polar, with cysteine, which is neutral and slightly polar, at codon 246 of the SDHA protein (p.Arg246Cys). This variant is not present in population databases (gnomAD no frequency). This variant has not been reported in the literature in individuals affected with SDHA-related conditions. ClinVar contains an entry for this variant (Variation ID: 826994). Invitae Evidence Modeling of protein sequence and biophysical properties (such as structural, functional, and spatial information, amino acid conservation, physicochemical variation, residue mobility, and thermodynamic stability) has been performed for this missense variant. However, the output from this modeling did not meet the statistical confidence thresholds required to predict the impact of this variant on SDHA protein function. In summary, the available evidence is currently insufficient to determine the role of this variant in disease. Therefore, it has been classified as a Variant of Uncertain Significance.

Ambry Genetics
Classification: Uncertain significance for Hereditary cancer-predisposing syndrome. Last evaluated: 2024-07-28. Review status: criteria provided, single submitter. Criteria: Ambry Variant Classification Scheme 2023. Collection method: clinical testing. Allele origin: germline.
Comment: The p.R246C variant (also known as c.736C>T), located in coding exon 6 of the SDHA gene, results from a C to T substitution at nucleotide position 736. The arginine at codon 246 is replaced by cysteine, an amino acid with highly dissimilar properties. This amino acid position is highly conserved in available vertebrate species. In addition, this alteration is predicted to be deleterious by in silico analysis. Since supporting evidence is limited at this time, the clinical significance of this alteration remains unclear.

Institute of Human Genetics, University of Leipzig Medical Center
Classification: Uncertain significance for Neurodegeneration with ataxia and late-onset optic atrophy. Last evaluated: 2022-12-12. Review status: criteria provided, single submitter. Criteria: ACMG Guidelines, 2015. Collection method: clinical testing. Allele origin: unknown. Affected: yes.
Comment: _x000D_ Criteria applied: PM2_SUP, PP3

NM_004168.4(SDHA):c.736C>T (p.Arg246Cys)

Gene: SDHA (succinate dehydrogenase complex flavoprotein subunit A; plus strand). Cytogenetic location: 5p15.33.
Variant type: single nucleotide variant.
Coding change: c.736C>T on transcript NM_004168.4 (MANE Select); coding-DNA position 736, C replaced by T.
Protein change: p.Arg246Cys; replaces arginine 246 with cysteine.
Molecular consequence: missense variant.
Genome position (GRCh38, 1-based): chr5:228,299, C>T. VCF-style: chr5-228299-C-T. GRCh37 (hg19) VCF-style: chr5-228414-C-T.
Other names: c.592C>T, p.Arg198Cys (NM_001294332.2); c.736C>T, p.Arg246Cys (NM_001330758.2); short protein forms R246C, R198C.
Identifiers: ClinVar variation 826994 (VCV000826994.14), dbSNP rs1579391530, ClinGen allele CA359011122.